The following is an entry in ClinVar:

NM_002485.5(NBN):c.-36G>A

Gene: NBN (nibrin; minus strand). Cytogenetic location: 8q21.3.
Variant type: single nucleotide variant.
Coding change: c.-36G>A on transcript NM_002485.5 (MANE Select); 36 bases upstream of the start codon, G replaced by A.
Molecular consequence: 5 prime UTR variant.
Genome position (GRCh38, 1-based): chr8:89,984,597, C>T on the plus strand (G>A on the coding strand, the complement: NBN is on the minus strand). VCF-style: chr8-89984597-C-T. GRCh37 (hg19) VCF-style: chr8-90996825-C-T.
Other names: c.-332G>A (NM_001024688.3).
Identifiers: ClinVar variation 378230 (VCV000378230.2), dbSNP rs762098812, ClinGen allele CA4803129.
Genomic context (GRCh38, chr8:89,984,597, plus strand): 5'-CCGCGGCGGGCAGCAGTTTCCACATCGGTCCGGCTCCTCAGGGCTGGGGCCGACGTGCAA[C>T]CGCGTAACCGGGGCTGCTAGACGAGCGCGGATACGGCGCCTGCGGTCGGCATGGGCTCCG-3'

ClinVar aggregate classification (germline): Likely benign. Review status: criteria provided, multiple submitters, no conflicts (2 of 4 stars). 2 submissions from 2 submitters: Likely benign (2). Last evaluated 2023-08-04.

Conditions:
Hereditary cancer-predisposing syndrome. Also called: Hereditary neoplastic syndrome; Hereditary Cancer Syndrome; Neoplastic Syndromes, Hereditary; Tumor predisposition. Identifiers: Orphanet 140162, MedGen C0027672, MeSH D009386, MONDO:0015356.

Allele frequency attached by ClinVar (database versions not stated): gnomAD 0.00002; gnomAD exomes 0.00002 and 0.00003; TOPMed 0.00002; ExAC 0.00003.

Submissions (2):

Institute for Biomarker Research, Medical Diagnostic Laboratories, L.L.C.
Classification: Likely benign for Hereditary cancer-predisposing syndrome. Last evaluated: 2023-08-04. Review status: criteria provided, single submitter. Criteria: ACMG Guidelines, 2015. Collection method: clinical testing. Allele origin: germline.

GeneDx
Classification: Likely benign. Last evaluated: 2016-03-09. Review status: criteria provided, single submitter. Criteria: GeneDx Variant Classification (06012015). Collection method: clinical testing. Allele origin: germline. Affected: yes.
Comment: This variant is considered likely benign or benign based on one or more of the following criteria: it is a conservative change, it occurs at a poorly conserved position in the protein, it is predicted to be benign by multiple in silico algorithms, and/or has population frequency not consistent with disease.